The following is an entry in ClinVar:

NM_003002.4(SDHD):c.449G>C (p.Cys150Ser)

Gene: SDHD (succinate dehydrogenase complex subunit D; plus strand). Cytogenetic location: 11q23.1.
Variant type: single nucleotide variant.
Coding change: c.449G>C on transcript NM_003002.4 (MANE Select); coding-DNA position 449, G replaced by C.
Protein change: p.Cys150Ser; replaces cysteine 150 with serine.
Molecular consequence: missense variant. On other transcripts: 3 prime UTR variant (2), non-coding transcript variant (1).
Genome position (GRCh38, 1-based): chr11:112,094,939, G>C. VCF-style: chr11-112094939-G-C. GRCh37 (hg19) VCF-style: chr11-111965663-G-C.
Other names: c.*46G>C (NM_001276503.2); c.332G>C, p.Cys111Ser (NM_001276504.2); c.*147G>C (NM_001276506.2); c.449G>C (NM_003002.2); short protein forms C111S, C150S.
Identifiers: ClinVar variation 1923369 (VCV001923369.8), dbSNP rs2135277797, ClinGen allele CA382619480.

ClinVar aggregate classification (germline): Uncertain significance. Review status: criteria provided, multiple submitters, no conflicts (2 of 4 stars). 3 submissions from 3 submitters: Uncertain significance (3). Last evaluated 2026-07-08.

Conditions:
Hereditary cancer-predisposing syndrome. Also called: Hereditary neoplastic syndrome; Neoplastic Syndromes, Hereditary; Tumor predisposition; Hereditary Cancer Syndrome. Identifiers: Orphanet 140162, MedGen C0027672, MeSH D009386, MONDO:0015356.
Pheochromocytoma. Also called: MAX-Related Hereditary Paraganglioma-Pheochromocytoma Syndrome. Identifiers: Orphanet 29072, MedGen C0031511, MONDO:0008233, OMIM 171300, HP:0002666.
Cowden syndrome 3 (CWS3). Identifiers: Orphanet 201, MedGen CN166604, MONDO:0014045.
Carney-Stratakis syndrome. Also called: PARAGANGLIOMA AND GASTROINTESTINAL STROMAL TUMOR. Identifiers: Orphanet 97286, MedGen C1847319, MONDO:0011740, OMIM 606864.
Paragangliomas with sensorineural hearing loss. Identifiers: MedGen C1868633.

Submissions (3):

Ambry Genetics
Classification: Uncertain significance for Hereditary cancer-predisposing syndrome. Last evaluated: 2026-07-08. Review status: criteria provided, single submitter. Criteria: Ambry Variant Classification Scheme 2023. Collection method: clinical testing. Allele origin: germline.
Comment: The p.C150S variant (also known as c.449G>C), located in coding exon 4 of the SDHD gene, results from a G to C substitution at nucleotide position 449. The cysteine at codon 150 is replaced by serine, an amino acid with dissimilar properties. This amino acid position is highly conserved in available vertebrate species. In addition, this alteration is predicted to be deleterious by in silico analysis. Based on the available evidence, the clinical significance of this variant remains unclear.

Labcorp Genetics (formerly Invitae), Labcorp
Classification: Uncertain significance for Carney-Stratakis syndrome; Paragangliomas with sensorineural hearing loss; Pheochromocytoma; Cowden syndrome 3. Last evaluated: 2025-12-05. Review status: criteria provided, single submitter. Criteria: Invitae Variant Classification Sherloc (09022015). Collection method: clinical testing. Allele origin: germline.
Comment: This sequence change replaces cysteine, which is neutral and slightly polar, with serine, which is neutral and polar, at codon 150 of the SDHD protein (p.Cys150Ser). This variant is not present in population databases (gnomAD no frequency). This variant has not been reported in the literature in individuals affected with SDHD-related conditions. ClinVar contains an entry for this variant (Variation ID: 1923369). Invitae Evidence Modeling of protein sequence and biophysical properties (such as structural, functional, and spatial information, amino acid conservation, physicochemical variation, residue mobility, and thermodynamic stability) has been performed for this missense variant. However, the output from this modeling did not meet the statistical confidence thresholds required to predict the impact of this variant on SDHD protein function. In summary, the available evidence is currently insufficient to determine the role of this variant in disease. Therefore, it has been classified as a Variant of Uncertain Significance.

GeneDx
Classification: Uncertain significance. Last evaluated: 2025-04-28. Review status: criteria provided, single submitter. Criteria: GeneDx Variant Classification Process June 2021. Collection method: clinical testing. Allele origin: germline. Affected: yes.
Comment: Not observed at significant frequency in large population cohorts (gnomAD); In silico analysis supports that this missense variant has a deleterious effect on protein structure/function; Has not been previously published as pathogenic or benign to our knowledge